The following is an entry in ClinVar:

NM_001042492.3(NF1):c.530_531dup (p.Glu178Ter)

Gene: NF1 (neurofibromin 1; plus strand). Cytogenetic location: 17q11.2.
Variant type: Microsatellite.
Coding change: c.530_531dup on transcript NM_001042492.3 (MANE Select); coding-DNA positions 530 to 531, 2 bases duplicated (TA; older notation c.530_531dupTA).
Protein change: p.Glu178Ter; replaces glutamic acid 178 with a stop codon.
Molecular consequence: nonsense. On other transcripts: frameshift variant (1).
Genome position (GRCh38, 1-based): chr17:31,169,941-31,169,942, TA duplicated; duplicating any 2 consecutive bases within chr17:31,169,938-31,169,942 gives the same sequence; the c. name uses the placement nearest the transcript's 3' end. VCF-style (leftmost placement, unchanged base first): chr17-31169937-G-GAT. GRCh37 (hg19) VCF-style: chr17-29496955-G-GAT.
Other names: c.528_529TA[3], p.Glu178Terfs (NM_000267.4); c.530_531dup, p.Glu178Ter (NM_001128147.3); short protein forms E178*.
Identifiers: ClinVar variation 2122368 (VCV002122368.4), dbSNP rs2544719014, ClinGen allele CA2580614044.
Genomic context (GRCh38, chr17:31,169,937, plus strand): 5'-TTTTTACTTTTTAGGTTACAGGAATTAACTGTTTGTTCAGAAGACAATGTTGATGTTCAT[G>GAT]ATATAGAATTGTTACAGTATATCAATGTGGATTGTGCAAAATTAAAACGACTCCTGAAGG-3'

ClinVar aggregate classification (germline): Pathogenic (1 of 4 stars; one submission).

Conditions:
Neurofibromatosis, type 1 (NF1). Also called: NEUROFIBROMATOSIS, TYPE I, SOMATIC; Neurofibromatosis, type I; Peripheral type neurofibromatosis; VON RECKLINGHAUSEN DISEASE. Identifiers: Orphanet 636, MedGen C0027831, MONDO:0018975, OMIM 162200. Disease mechanism: loss of function.

Submission:

Labcorp Genetics (formerly Invitae), Labcorp
Classification: Pathogenic for Neurofibromatosis, type 1. Last evaluated: 2022-04-08. Review status: criteria provided, single submitter. Criteria: Invitae Variant Classification Sherloc (09022015). Collection method: clinical testing. Allele origin: germline.
Comment: This sequence change creates a premature translational stop signal (p.Glu178*) in the NF1 gene. It is expected to result in an absent or disrupted protein product. Loss-of-function variants in NF1 are known to be pathogenic (PMID: 10712197, 23913538). This variant is not present in population databases (gnomAD no frequency). This variant has not been reported in the literature in individuals affected with NF1-related conditions. Algorithms developed to predict the effect of sequence changes on RNA splicing suggest that this variant may disrupt the consensus splice site. For these reasons, this variant has been classified as Pathogenic.

Literature cited by the submitters: PubMed 10712197; PubMed 23913538.